The following is an entry in ClinVar:

ClinVar aggregate classification (germline): Pathogenic. Review status: criteria provided, multiple submitters, no conflicts (2 of 4 stars). 2 submissions from 2 submitters: Pathogenic (2). Last evaluated 2025-07-31.

Conditions:
Actin accumulation myopathy (CMYO2A). Also called: CONGENITAL MYOPATHY 2A, TYPICAL, AUTOSOMAL DOMINANT; Myopathy, actin, congenital, with cores; Nemaline myopathy 3, with intranuclear rods; Nemaline myopathy type 3; Myopathy, actin, congenital, with excess of thin myofilaments. Identifiers: Orphanet 98904, MedGen C3711389, MONDO:0008070, OMIM 161800.
Alpha-actinopathy. Also called: Actinopathy. Identifiers: MedGen CN295279, MONDO:0100084.

Submissions (2):

Victorian Clinical Genetics Services, Murdoch Childrens Research Institute
Classification: Pathogenic for Alpha-actinopathy. Last evaluated: 2025-07-31. Review status: criteria provided, single submitter. Criteria: ACMG Guidelines, 2015. Collection method: clinical testing. Allele origin: germline. Affected: yes.
Comment: This variant is classified as Pathogenic. Evidence in support of pathogenic classification: Variant is absent from gnomAD (v2, v3 and v4); This variant has strong previous evidence of pathogenicity in unrelated individuals. This variant has been reported in the literature in individuals with ACTA1-related features, with some reporting de novo inheritance (PMIDs: 12921789, 19562689, 36233295, 28780987); Missense variant predicted to be damaging by in silico tool(s) or highly conserved with a major amino acid change; Additional information: Variant is predicted to result in a missense amino acid change from Asp to His; This variant is heterozygous; This gene is associated with both recessive and dominant disease. There is currently no genotype-phenotype correlation (OMIM); however, the majority of premature termination codons have been reported for autosomal recessive disease (PMID: 19562689); Loss of function is a known mechanism for this gene and is associated with alpha-actinopathy (MONDO:0100084). Dominant negative is also a likely mechanism of disease in this gene. Missense variants have been described to result in decreased actin motility and create protein aggregates within the cytoplasm, though co-expression with wildtype was not observed (PMID: 15198992, OMIM).

Harry Perkins Institute Of Medical Research, University Of Western Australia
Classification: Pathogenic for Nemaline myopathy type 3. Last evaluated: 2003-09-01. Review status: criteria provided, single submitter. Criteria: ACMG Guidelines, 2015. Collection method: literature only. Allele origin: germline. Affected: yes. Observed: 6 variant alleles.

Literature cited by the submitters: PubMed 19562689 (cited by Victorian Clinical Genetics Services, Murdoch Childrens Research Institute and Harry Perkins Institute Of Medical Research, University Of Western Australia); PubMed 15198992 (cited by Victorian Clinical Genetics Services, Murdoch Childrens Research Institute); PubMed 36233295 (cited by Victorian Clinical Genetics Services, Murdoch Childrens Research Institute and Harry Perkins Institute Of Medical Research, University Of Western Australia); PubMed 28780987 (cited by Victorian Clinical Genetics Services, Murdoch Childrens Research Institute and Harry Perkins Institute Of Medical Research, University Of Western Australia); PubMed 12921789 (cited by Victorian Clinical Genetics Services, Murdoch Childrens Research Institute and Harry Perkins Institute Of Medical Research, University Of Western Australia).

NM_001100.4(ACTA1):c.541G>C (p.Asp181His)

Gene: ACTA1 (actin alpha 1, skeletal muscle; minus strand). Cytogenetic location: 1q42.13.
Variant type: single nucleotide variant.
Coding change: c.541G>C on transcript NM_001100.4 (MANE Select); coding-DNA position 541, G replaced by C.
Protein change: p.Asp181His; replaces aspartic acid 181 with histidine.
Molecular consequence: missense variant.
Genome position (GRCh38, 1-based): chr1:229,432,345, C>G on the plus strand (G>C on the coding strand, the complement: ACTA1 is on the minus strand). VCF-style: chr1-229432345-C-G. GRCh37 (hg19) VCF-style: chr1-229568092-C-G.
Other names: short protein forms D181H.
Identifiers: ClinVar variation 2582799 (VCV002582799.3), dbSNP rs2527437890, ClinGen allele CA345148324.